The following is an entry in ClinVar:

NM_001130438.3(SPTAN1):c.4576C>T (p.Arg1526Cys)

Gene: SPTAN1 (spectrin alpha, non-erythrocytic 1; plus strand). Cytogenetic location: 9q34.11.
Variant type: single nucleotide variant.
Coding change: c.4576C>T on transcript NM_001130438.3 (MANE Select); coding-DNA position 4576, C replaced by T.
Protein change: p.Arg1526Cys; replaces arginine 1526 with cysteine.
Molecular consequence: missense variant.
Genome position (GRCh38, 1-based): chr9:128,608,958, C>T. VCF-style: chr9-128608958-C-T. GRCh37 (hg19) VCF-style: chr9-131371237-C-T.
Other names: p.R1526C:CGC>TGC; c.4516C>T, p.Arg1506Cys (NM_001195532.2, NM_001363765.2); c.4576C>T, p.Arg1526Cys (NM_001363759.2, NM_003127.4); short protein forms R1526C, R1506C.
Identifiers: ClinVar variation 207338 (VCV000207338.6), dbSNP rs796053317, ClinGen allele CA318707.
Genomic context (GRCh38, chr9:128,608,958, plus strand): 5'-GCCTTTGCCGACCAGCTCATCGCTGCCGGCCATTATGCCAAGGGAGACATTTCTAGCCGG[C>T]GCAATGAGGTCTTGGACAGGTGGGTGTCCTGTGGCACTGACATAGTCACCAGCCCTGAGA-3'
Protein context (NP_001123910.1, residues 1516-1536): HYAKGDISSR[Arg1526Cys]NEVLDRWRRL

ClinVar aggregate classification (germline): Uncertain significance. Review status: criteria provided, multiple submitters, no conflicts (2 of 4 stars). 2 submissions from 2 submitters: Uncertain significance (2). Last evaluated 2025-12-26.

Conditions:
Early-infantile DEE. Also called: Ohtahara syndrome; Early infantile epileptic encephalopathy; Early infantile epileptic encephalopathy with suppression bursts. Identifiers: Orphanet 1934, MedGen C0393706, MONDO:0800491.

Allele frequency attached by ClinVar (database versions not stated): gnomAD 0.00001; gnomAD exomes 0.00001; TOPMed 0.00001.
gnomAD v4.1: 12 of 1,614,050 alleles (0.00074%); highest among the groups gnomAD compares: East Asian, 0.0067%; no homozygotes.

Submissions (2):

Labcorp Genetics (formerly Invitae), Labcorp
Classification: Uncertain significance for Early-infantile DEE. Last evaluated: 2025-12-26. Review status: criteria provided, single submitter. Criteria: Invitae Variant Classification Sherloc (09022015). Collection method: clinical testing. Allele origin: germline.
Comment: This sequence change replaces arginine, which is basic and polar, with cysteine, which is neutral and slightly polar, at codon 1526 of the SPTAN1 protein (p.Arg1526Cys). This variant is present in population databases (rs796053317, gnomAD 0.01%). This variant has not been reported in the literature in individuals affected with SPTAN1-related conditions. ClinVar contains an entry for this variant (Variation ID: 207338). Invitae Evidence Modeling of protein sequence and biophysical properties (such as structural, functional, and spatial information, amino acid conservation, physicochemical variation, residue mobility, and thermodynamic stability) has been performed for this missense variant. However, the output from this modeling did not meet the statistical confidence thresholds required to predict the impact of this variant on SPTAN1 protein function. In summary, the available evidence is currently insufficient to determine the role of this variant in disease. Therefore, it has been classified as a Variant of Uncertain Significance.

GeneDx
Classification: Uncertain significance. Last evaluated: 2013-11-14. Review status: criteria provided, single submitter. Criteria: GeneDx Variant Classification (06012015). Collection method: clinical testing. Allele origin: germline. Affected: yes.
Comment: p.Arg1526Cys (CGC>TGC): c.4576 C>T in exon 35 of the SPTAN1 gene (NM_001130438.2) The Arg1526Cys missense change has not been published as a mutation, nor has it been reported as a benign polymorphism to our knowledge. It was not observed in approximately 6,500 individuals of European and African American ancestry in the NHLBI Exome Sequencing Project, indicating it is not a common benign variant in these populations. This variant is a non-conservative amino acid substitution of a positively charged Arginine residue with an uncharged Cysteine residue, and the gain of a Cysteine may affect disulfide bond formation. It alters at a position that is conserved through mammals but is not conserved in more distant species, and previously reported pathogenic mutations in SPTAN1 include in-frame deletions or duplications located within the last four spectrin repeats of the protein, which are essential for dimerization (Saitsu et al., 2010), and the Arg1526Cys residue is outside this region. In silico analysis is inconsistent with regard to the effect this variant may have on the protein structure/function. Therefore, based on the currently available information, it is unclear whether Arg1526Cys is a disease-causing mutation or a rare benign variant. The variant is found in EPILEPSY panel(s).